The following is an entry in ClinVar:

NM_001184.4(ATR):c.1411G>C (p.Glu471Gln)

Gene: ATR (ATR checkpoint kinase; minus strand). Cytogenetic location: 3q23.
Variant type: single nucleotide variant.
Coding change: c.1411G>C on transcript NM_001184.4 (MANE Select); coding-DNA position 1411, G replaced by C.
Protein change: p.Glu471Gln; replaces glutamic acid 471 with glutamine.
Molecular consequence: missense variant. On other transcripts: intron variant (1).
Genome position (GRCh38, 1-based): chr3:142,560,393, C>G on the plus strand (G>C on the coding strand, the complement: ATR is on the minus strand). VCF-style: chr3-142560393-C-G. GRCh37 (hg19) VCF-style: chr3-142279235-C-G.
Other names: c.1349+850G>C (NM_001354579.2); short protein forms E471Q.
Identifiers: ClinVar variation 800229 (VCV000800229.41), dbSNP rs371350410, ClinGen allele CA2650603.

ClinVar aggregate classification (germline): Conflicting classifications of pathogenicity. Review status: criteria provided, conflicting classifications (1 of 4 stars). 5 submissions from 5 submitters: Uncertain significance (1); Likely benign (2). 2 of the submissions do not count toward it. Last evaluated 2026-01-26.

Conditions:
ATR-related disorder. Also called: ATR-related condition.
Seckel syndrome 1 (SCKL1). Also called: MICROCEPHALIC PRIMORDIAL DWARFISM I. Identifiers: Orphanet 808, MedGen C4551474, MONDO:0008869, OMIM 210600.
Malignant tumor of breast. Also called: Malignant breast neoplasm; Cancer breast. Identifiers: MedGen C0006142, MONDO:0007254. Disease mechanism: loss of function.

Allele frequency attached by ClinVar (database versions not stated): gnomAD 0.00011 and 0.00017; TOPMed 0.00013; ESP Exome Variant Server 0.00015; gnomAD exomes 0.00020 and 0.00035; ExAC 0.00035; 1000 Genomes Project 0.00040; 1000 Genomes Project 30x 0.00047.
gnomAD v4.1: 330 of 1,613,816 alleles (0.02%); highest among the groups gnomAD compares: Middle Eastern, 0.45%; 3 homozygotes.

Submissions (5):

Labcorp Genetics (formerly Invitae), Labcorp
Classification: Likely benign. Last evaluated: 2026-01-26. Review status: criteria provided, single submitter. Criteria: Invitae Variant Classification Sherloc (09022015). Collection method: clinical testing. Allele origin: germline.

CeGaT Center for Human Genetics Tuebingen
Classification: Likely benign. Last evaluated: 2024-02-01. Review status: criteria provided, single submitter. Criteria: CeGaT Center For Human Genetics Tuebingen Variant Classification Criteria Version 2. Collection method: clinical testing. Allele origin: germline. Affected: yes. Observed: 3 variant alleles.
Comment: ATR: PP2, BP4, BS2

Illumina Laboratory Services, Illumina
Classification: Uncertain significance for Seckel syndrome 1. Last evaluated: 2018-01-13. Review status: criteria provided, single submitter. Criteria: ICSL Variant Classification Criteria 13 December 2019. Collection method: clinical testing. Allele origin: germline.

PreventionGenetics, part of Exact Sciences
Classification: Likely benign for ATR-related condition. Last evaluated: 2022-06-12. Review status: no assertion criteria provided. Collection method: clinical testing. Allele origin: germline. Not counted in ClinVar's aggregate classification.
Comment: This variant is classified as likely benign based on ACMG/AMP sequence variant interpretation guidelines (Richards et al. 2015 PMID: 25741868, with internal and published modifications).

Center of Medical Genetics and Primary Health Care
Classification: Likely benign for Breast Cancer. Review status: no assertion criteria provided. Collection method: clinical testing. Allele origin: germline. Affected: yes. Not counted in ClinVar's aggregate classification.